The following is an entry in ClinVar:

ClinVar aggregate classification (germline): Benign. Review status: criteria provided, multiple submitters, no conflicts (2 of 4 stars). 2 submissions from 2 submitters: Benign (2). Last evaluated 2018-06-19.

Allele frequency attached by ClinVar (database versions not stated): gnomAD 0.03692 and 0.03945; TOPMed 0.04302; 1000 Genomes Project 0.04353; 1000 Genomes Project 30x 0.04513.
gnomAD v4.1: 5,574 of 152,264 alleles (3.7%); highest among the groups gnomAD compares: African/African-American, 13%; 330 homozygotes.

Submissions (2):

GeneDx
Classification: Benign. Last evaluated: 2018-06-19. Review status: criteria provided, single submitter. Criteria: GeneDx Variant Classification (06012015). Collection method: clinical testing. Allele origin: germline. Affected: yes.
Comment: This variant is considered likely benign or benign based on one or more of the following criteria: it is a conservative change, it occurs at a poorly conserved position in the protein, it is predicted to be benign by multiple in silico algorithms, and/or has population frequency not consistent with disease.

Breakthrough Genomics
Classification: Benign. Review status: criteria provided, single submitter. Criteria: ACMG Guidelines, 2015. Collection method: not provided. Allele origin: germline. Inheritance: Autosomal recessive inheritance. Affected: yes.

NM_000540.3(RYR1):c.4293+166T>C

Gene: RYR1 (ryanodine receptor 1; plus strand). Cytogenetic location: 19q13.2.
Variant type: single nucleotide variant.
Coding change: c.4293+166T>C on transcript NM_000540.3 (MANE Select); 166 bases into the intron after coding-DNA position 4293, T replaced by C.
Molecular consequence: intron variant.
Genome position (GRCh38, 1-based): chr19:38,475,616, T>C. VCF-style: chr19-38475616-T-C. GRCh37 (hg19) VCF-style: chr19-38966256-T-C.
Other names: c.4293+166T>C (NM_001042723.2).
Identifiers: ClinVar variation 669189 (VCV000669189.2), dbSNP rs60228500, ClinGen allele CA308083005.
Genomic context (GRCh38, chr19:38,475,616, plus strand): 5'-GGGGACTCCCCAATATACACTAGAAACTCATAAAATATGGCACACACAGATTTAATCCTT[T>C]GAACCCCTAAATCCATATAGCTATGGCCCACAAACGGCAGGGAGTACAGTAGAGGTGTAC-3'